The following is an entry in ClinVar:

NM_002470.4(MYH3):c.3410G>C (p.Arg1137Pro)

Gene: MYH3 (myosin heavy chain 3; minus strand). Cytogenetic location: 17p13.1.
Variant type: single nucleotide variant.
Coding change: c.3410G>C on transcript NM_002470.4 (MANE Select); coding-DNA position 3410, G replaced by C.
Protein change: p.Arg1137Pro; replaces arginine 1137 with proline.
Molecular consequence: missense variant.
Genome position (GRCh38, 1-based): chr17:10,638,362, C>G on the plus strand (G>C on the coding strand, the complement: MYH3 is on the minus strand). VCF-style: chr17-10638362-C-G. GRCh37 (hg19) VCF-style: chr17-10541679-C-G.
Other names: short protein forms R1137P.
Identifiers: ClinVar variation 4527123 (VCV004527123.1).

ClinVar aggregate classification (germline): Uncertain significance (1 of 4 stars; one submission).

Submission:

GeneDx
Classification: Uncertain significance. Last evaluated: 2025-04-24. Review status: criteria provided, single submitter. Criteria: GeneDx Variant Classification Process June 2021. Collection method: clinical testing. Allele origin: germline. Affected: yes.
Comment: Not observed at significant frequency in large population cohorts (gnomAD); In silico analysis supports that this missense variant has a deleterious effect on protein structure/function; Has not been previously published as pathogenic or benign to our knowledge